The following is an entry in ClinVar:

NM_003062.4(SLIT3):c.1475G>A (p.Arg492His)

Gene: SLIT3 (slit guidance ligand 3; minus strand). Cytogenetic location: 5q34.
Variant type: single nucleotide variant.
Coding change: c.1475G>A on transcript NM_003062.4 (MANE Select); coding-DNA position 1475, G replaced by A.
Protein change: p.Arg492His; replaces arginine 492 with histidine.
Molecular consequence: missense variant.
Genome position (GRCh38, 1-based): chr5:168,762,674, C>T on the plus strand (G>A on the coding strand, the complement: SLIT3 is on the minus strand). VCF-style: chr5-168762674-C-T. GRCh37 (hg19) VCF-style: chr5-168189679-C-T.
Other names: c.1475G>A, p.Arg492His (NM_001271946.2); short protein forms R492H.
Identifiers: ClinVar variation 2656060 (VCV002656060.24), dbSNP rs763884356, ClinGen allele CA3551627.

ClinVar aggregate classification (germline): Uncertain significance (1 of 4 stars; one submission).

Allele frequency attached by ClinVar (database versions not stated): TOPMed 0.00001.
gnomAD v4.1: 73 of 1,613,558 alleles (0.0045%); highest among the groups gnomAD compares: Non-Finnish European, 0.0054%; no homozygotes.

Submission:

CeGaT Center for Human Genetics Tuebingen
Classification: Uncertain significance. Last evaluated: 2023-09-01. Review status: criteria provided, single submitter. Criteria: CeGaT Center For Human Genetics Tuebingen Variant Classification Criteria Version 2. Collection method: clinical testing. Allele origin: germline. Affected: yes. Observed: 1 variant allele.
Comment: SLIT3: PM2